The following is an entry in ClinVar:

NM_006225.4(PLCD1):c.747G>A (p.Ala249=)

Gene: PLCD1 (phospholipase C delta 1; minus strand). Cytogenetic location: 3p22.2.
Variant type: single nucleotide variant.
Coding change: c.747G>A on transcript NM_006225.4 (MANE Select); coding-DNA position 747, G replaced by A.
Protein change: p.Ala249=; no amino-acid change (alanine 249 retained).
Molecular consequence: synonymous variant. On other transcripts: non-coding transcript variant (1).
Genome position (GRCh38, 1-based): chr3:38,011,257, C>T on the plus strand (G>A on the coding strand, the complement: PLCD1 is on the minus strand). VCF-style: chr3-38011257-C-T. GRCh37 (hg19) VCF-style: chr3-38052748-C-T.
Other names: c.810G>A, p.Ala270= (NM_001130964.2).
Identifiers: ClinVar variation 3050810 (VCV003050810.2), dbSNP rs531975960, ClinGen allele CA2313290.

ClinVar aggregate classification (germline): Likely benign (0 of 4 stars; one submission).

Conditions:
PLCD1-related disorder. Also called: PLCD1-related condition.

Allele frequency attached by ClinVar (database versions not stated): ExAC 0.00006; TOPMed 0.00012; gnomAD 0.00018; 1000 Genomes Project 0.00060; 1000 Genomes Project 30x 0.00062.
gnomAD v4.1: 75 of 1,611,266 alleles (0.0047%); highest among the groups gnomAD compares: Admixed American, 0.045%; no homozygotes.

Submission:

PreventionGenetics, part of Exact Sciences
Classification: Likely benign for PLCD1-related condition. Last evaluated: 2019-07-08. Review status: no assertion criteria provided. Collection method: clinical testing. Allele origin: germline.
Comment: This variant is classified as likely benign based on ACMG/AMP sequence variant interpretation guidelines (Richards et al. 2015 PMID: 25741868, with internal and published modifications).